The following is an entry in ClinVar:

NM_020822.3(KCNT1):c.1249C>T (p.Arg417Cys)

Gene: KCNT1 (potassium sodium-activated channel subfamily T member 1; plus strand). Cytogenetic location: 9q34.3.
Variant type: single nucleotide variant.
Coding change: c.1249C>T on transcript NM_020822.3 (MANE Select); coding-DNA position 1249, C replaced by T.
Protein change: p.Arg417Cys; replaces arginine 417 with cysteine.
Molecular consequence: missense variant.
Genome position (GRCh38, 1-based): chr9:135,765,672, C>T. VCF-style: chr9-135765672-C-T. GRCh37 (hg19) VCF-style: chr9-138657518-C-T.
Other names: c.1114C>T, p.Arg372Cys (NM_001272003.2); short protein forms R417C, R372C.
Identifiers: ClinVar variation 473357 (VCV000473357.11), dbSNP rs781342838, ClinGen allele CA5326834.

ClinVar aggregate classification (germline): Uncertain significance. Review status: criteria provided, multiple submitters, no conflicts (2 of 4 stars). 2 submissions from 2 submitters: Uncertain significance (2). Last evaluated 2024-05-21.

Conditions:
Autosomal dominant nocturnal frontal lobe epilepsy 5. Also called: Epilepsy, nocturnal frontal lobe, 5; CILIARY DYSKINESIA, PRIMARY, 28, WITHOUT SITUS INVERSUS; CILIARY DYSKINESIA, PRIMARY, 28, WITH SITUS INVERSUS; KCNT1-Related Epilepsy. Identifiers: Orphanet 98784, MedGen C3554306, MONDO:0014002, OMIM 615005.
Developmental and epileptic encephalopathy, 14 (DEE14). Also called: Early infantile epileptic encephalopathy 14. Identifiers: Orphanet 293181, MedGen C3554195, MONDO:0013989, OMIM 614959.

Allele frequency attached by ClinVar (database versions not stated): ExAC 0.00001; gnomAD 0.00001; gnomAD exomes 0.00001; TOPMed 0.00001.
gnomAD v4.1: 11 of 1,610,688 alleles (0.00068%); highest among the groups gnomAD compares: East Asian, 0.0022%; no homozygotes.

Submissions (2):

Labcorp Genetics (formerly Invitae), Labcorp
Classification: Uncertain significance for Autosomal dominant nocturnal frontal lobe epilepsy 5; Developmental and epileptic encephalopathy, 14. Last evaluated: 2024-05-21. Review status: criteria provided, single submitter. Criteria: Invitae Variant Classification Sherloc (09022015). Collection method: clinical testing. Allele origin: germline.
Comment: This sequence change replaces arginine, which is basic and polar, with cysteine, which is neutral and slightly polar, at codon 417 of the KCNT1 protein (p.Arg417Cys). The frequency data for this variant in the population databases is considered unreliable, as metrics indicate poor data quality at this position in the gnomAD database. This variant has not been reported in the literature in individuals affected with KCNT1-related conditions. ClinVar contains an entry for this variant (Variation ID: 473357). Advanced modeling of protein sequence and biophysical properties (such as structural, functional, and spatial information, amino acid conservation, physicochemical variation, residue mobility, and thermodynamic stability) has been performed at Invitae for this missense variant, however the output from this modeling did not meet the statistical confidence thresholds required to predict the impact of this variant on KCNT1 protein function. In summary, the available evidence is currently insufficient to determine the role of this variant in disease. Therefore, it has been classified as a Variant of Uncertain Significance.

GeneDx
Classification: Uncertain significance. Last evaluated: 2023-05-01. Review status: criteria provided, single submitter. Criteria: GeneDx Variant Classification Process June 2021. Collection method: clinical testing. Allele origin: germline. Affected: yes.
Comment: In silico analysis supports that this missense variant has a deleterious effect on protein structure/function; Has not been previously published as pathogenic or benign to our knowledge